The following is an entry in ClinVar:

ClinVar aggregate classification (germline): Uncertain significance. Review status: criteria provided, multiple submitters, no conflicts (2 of 4 stars). 2 submissions from 2 submitters: Uncertain significance (2). Last evaluated 2024-01-30.

Conditions:
Hypertrophic cardiomyopathy. Also called: HYPERTROPHIC MYOCARDIOPATHY. Identifiers: Orphanet 217569, MedGen C0007194, MeSH D002312, MONDO:0005045, HP:0001639.
Cardiomyopathy (CMYO). Also called: Cardiomyopathies. Identifiers: Orphanet 167848, MedGen C0878544, MONDO:0004994, HP:0001638. Inheritance: Various modes of inheritance.

Submissions (2):

Color Diagnostics, LLC DBA Color Health
Classification: Uncertain significance for Cardiomyopathy. Last evaluated: 2024-01-30. Review status: criteria provided, single submitter. Criteria: ACMG Guidelines, 2015. Collection method: clinical testing. Allele origin: germline.
Comment: This variant causes a T to G nucleotide substitution at the -10 position of intron 3 of the MYBPC3 gene. Splice site prediction tools are inconclusive regarding the impact of this variant on RNA splicing. To our knowledge, RNA studies have not been reported for this variant. This variant has not been reported in individuals affected with MYBPC3-related disorders in the literature. This variant has not been identified in the general population by the Genome Aggregation Database (gnomAD). The available evidence is insufficient to determine the role of this variant in disease conclusively. Therefore, this variant is classified as a Variant of Uncertain Significance.

All of Us Research Program, National Institutes of Health
Classification: Uncertain significance for Hypertrophic cardiomyopathy. Last evaluated: 2023-11-07. Review status: criteria provided, single submitter. Criteria: ACMG Guidelines, 2015. Collection method: clinical testing. Allele origin: germline. Inheritance: Autosomal dominant inheritance. Observed: 2 variant alleles, 2 heterozygotes.
Comment: This variant causes a T to G nucleotide substitution at the -10 position of intron 3 of the MYBPC3 gene. Splice prediction tools and conservation analysis are inconclusive regarding the impact of this variant on RNA splicing. To our knowledge, functional studies have not been reported for this variant. This variant has not been reported in individuals affected with cardiovascular disorders in the literature. This variant has not been identified in the general population by the Genome Aggregation Database (gnomAD). The available evidence is insufficient to determine the role of this variant in disease conclusively. Therefore, this variant is classified as a Variant of Uncertain Significance.

This study involves interpretation of variants in research participants for the purpose of population health screening. Participant phenotype was not available at the time of variant classification. Additional details can be found in publication PMID: 35346344, PMCID: PMC8962531

NM_000256.3(MYBPC3):c.407-10T>G

Gene: MYBPC3 (myosin binding protein C3; minus strand). Cytogenetic location: 11p11.2.
Variant type: single nucleotide variant.
Coding change: c.407-10T>G on transcript NM_000256.3 (MANE Select); 10 bases into the intron before coding-DNA position 407, T replaced by G.
Molecular consequence: intron variant.
Genome position (GRCh38, 1-based): chr11:47,350,122, A>C on the plus strand (T>G on the coding strand, the complement: MYBPC3 is on the minus strand). VCF-style: chr11-47350122-A-C. GRCh37 (hg19) VCF-style: chr11-47371673-A-C.
Identifiers: ClinVar variation 3069309 (VCV003069309.2), dbSNP rs2495782190, ClinGen allele CA2825002016.